The following is an entry in ClinVar:

ClinVar aggregate classification (germline): Uncertain significance (1 of 4 stars; one submission).

gnomAD v4.1: 66 of 1,595,656 alleles (0.0041%); highest among the groups gnomAD compares: South Asian, 0.061%; no homozygotes.

Submission:

Labcorp Genetics (formerly Invitae), Labcorp
Classification: Uncertain significance. Last evaluated: 2025-04-17. Review status: criteria provided, single submitter. Criteria: Invitae Variant Classification Sherloc (09022015). Collection method: clinical testing. Allele origin: germline.
Comment: This sequence change creates a premature translational stop signal (p.Arg631*) in the GUF1 gene. While this is not anticipated to result in nonsense mediated decay, it is expected to disrupt the last 39 amino acid(s) of the GUF1 protein. This variant is present in population databases (rs200501808, gnomAD 0.06%). This variant has not been reported in the literature in individuals affected with GUF1-related conditions. Algorithms developed to predict the effect of sequence changes on RNA splicing suggest that this variant may disrupt the consensus splice site. In summary, the available evidence is currently insufficient to determine the role of this variant in disease. Therefore, it has been classified as a Variant of Uncertain Significance.

NM_021927.3(GUF1):c.1891C>T (p.Arg631Ter)

Gene: GUF1 (GTP binding elongation factor GUF1; plus strand). Cytogenetic location: 4p12.
Variant type: single nucleotide variant.
Coding change: c.1891C>T on transcript NM_021927.3 (MANE Select); coding-DNA position 1891, C replaced by T.
Protein change: p.Arg631Ter; replaces arginine 631 with a stop codon.
Molecular consequence: nonsense.
Genome position (GRCh38, 1-based): chr4:44,698,562, C>T. VCF-style: chr4-44698562-C-T. GRCh37 (hg19) VCF-style: chr4-44700579-C-T.
Other names: c.919C>T, p.Arg307Ter (NM_001345867.2, NM_001345869.2); c.1771C>T, p.Arg591Ter (NM_001345868.2); short protein forms R631*, R591*, R307*.
Identifiers: ClinVar variation 4738835 (VCV004738835.1).